The following is an entry in ClinVar:

ClinVar aggregate classification (germline): Uncertain significance (1 of 4 stars; one submission).

Conditions:
Hypertrophic cardiomyopathy. Also called: HYPERTROPHIC MYOCARDIOPATHY. Identifiers: Orphanet 217569, MedGen C0007194, MeSH D002312, MONDO:0005045, HP:0001639.

gnomAD v4.1: 1 of 1,614,244 alleles (0.000062%); no homozygotes.

Submission:

Labcorp Genetics (formerly Invitae), Labcorp
Classification: Uncertain significance for Hypertrophic cardiomyopathy. Last evaluated: 2026-01-21. Review status: criteria provided, single submitter. Criteria: Invitae Variant Classification Sherloc (09022015). Collection method: clinical testing. Allele origin: germline.
Comment: This sequence change replaces leucine, which is neutral and non-polar, with phenylalanine, which is neutral and non-polar, at codon 118 of the MYL3 protein (p.Leu118Phe). This variant is not present in population databases (gnomAD no frequency). This variant has not been reported in the literature in individuals affected with MYL3-related conditions. An algorithm developed to predict the effect of missense changes on protein structure and function (PolyPhen-2) suggests that this variant is likely to be tolerated. Algorithms developed to predict the effect of sequence changes on RNA splicing suggest that this variant may create or strengthen a splice site. In summary, the available evidence is currently insufficient to determine the role of this variant in disease. Therefore, it has been classified as a Variant of Uncertain Significance.

NM_000258.3(MYL3):c.352C>T (p.Leu118Phe)

Gene: MYL3 (myosin light chain 3; minus strand). Cytogenetic location: 3p21.31.
Variant type: single nucleotide variant.
Coding change: c.352C>T on transcript NM_000258.3 (MANE Select); coding-DNA position 352, C replaced by T.
Protein change: p.Leu118Phe; replaces leucine 118 with phenylalanine.
Molecular consequence: missense variant.
Genome position (GRCh38, 1-based): chr3:46,859,604, G>A on the plus strand (C>T on the coding strand, the complement: MYL3 is on the minus strand). VCF-style: chr3-46859604-G-A. GRCh37 (hg19) VCF-style: chr3-46901094-G-A.
Other names: c.352C>T, p.Leu118Phe (NM_001406937.1, NM_001406938.1, NM_001406939.1); c.178C>T, p.Leu60Phe (NM_001406940.1, NM_001406941.1); short protein forms L118F, L60F.
Identifiers: ClinVar variation 4764515 (VCV004764515.1).
Genomic context (GRCh38, chr3:46,859,604, plus strand): 5'-GCAGCCCCTCCACGAAGTCCTCATAGGTGCCTGTGTCCTTGTTCTTGGAAATGTGCTGGA[G>A]CATAGGCAGGAAAGTTTCAAAGTCCATCATCTTGGTATTGAGCTCTGCAGAGAAATGGTC-3'
Protein context (NP_000249.1, residues 108-128): MMDFETFLPM[Leu118Phe]QHISKNKDTG